The following is an entry in ClinVar:

ClinVar aggregate classification (germline): Uncertain significance. Review status: criteria provided, multiple submitters, no conflicts (2 of 4 stars). 3 submissions from 3 submitters: Uncertain significance (3). Last evaluated 2025-07-01.

Conditions:
Cone-rod dystrophy 7 (CORD7). Identifiers: Orphanet 1872, MedGen C1863634, MONDO:0011355, OMIM 603649.

Allele frequency attached by ClinVar (database versions not stated): gnomAD exomes 0.00001; TOPMed 0.00002.
gnomAD v4.1: 12 of 1,536,052 alleles (0.00078%); highest among the groups gnomAD compares: South Asian, 0.0048%; no homozygotes.

Submissions (3):

CeGaT Center for Human Genetics Tuebingen
Classification: Uncertain significance. Last evaluated: 2025-07-01. Review status: criteria provided, single submitter. Criteria: CeGaT Center For Human Genetics Tuebingen Variant Classification Criteria Version 2. Collection method: clinical testing. Allele origin: germline. Affected: yes. Observed: 1 variant allele.
Comment: RIMS1: PM2:Supporting

Genomic Research Center, Shahid Beheshti University of Medical Sciences
Classification: Uncertain significance for Cone-rod dystrophy 7. Last evaluated: 2019-04-27. Review status: criteria provided, single submitter. Criteria: ACMG Guidelines, 2015. Collection method: clinical testing. Allele origin: unknown. Affected: yes.

Breakthrough Genomics
Classification: Uncertain significance. Review status: criteria provided, single submitter. Criteria: ACMG Guidelines, 2015. Collection method: not provided. Allele origin: germline. Inheritance: Autosomal dominant inheritance. Affected: yes.

NM_014989.7(RIMS1):c.1679-20563C>T

Gene: RIMS1 (regulating synaptic membrane exocytosis 1; plus strand). Cytogenetic location: 6q13.
Variant type: single nucleotide variant.
Coding change: c.1679-20563C>T on transcript NM_014989.7 (MANE Select); 20563 bases into the intron before coding-DNA position 1679, C replaced by T.
Molecular consequence: intron variant. On other transcripts: nonsense (40), 5 prime UTR variant (7).
Genome position (GRCh38, 1-based): chr6:72,213,210, C>T. VCF-style: chr6-72213210-C-T. GRCh37 (hg19) VCF-style: chr6-72922913-C-T.
Other names: c.88C>T, p.Arg30Ter (NM_001168407.2, NM_001168408.2, NM_001350414.2 and 37 more transcripts); c.-70C>T (NM_001350421.2, NM_001350424.2, NM_001350428.2 and 4 more transcripts); short protein forms R30*.
Identifiers: ClinVar variation 638483 (VCV000638483.12), dbSNP rs891525901, ClinGen allele CA364823150.